The following is an entry in ClinVar:

ClinVar aggregate classification (germline): Pathogenic. Review status: criteria provided, single submitter (1 of 4 stars). 2 submissions from 2 submitters: Pathogenic (1). 1 of the submissions does not count toward it. Last evaluated 2023-05-04.

Conditions:
Familial adenomatous polyposis 1 (FAP1). Also called: FAMILIAL ADENOMATOUS POLYPOSIS 1, ATTENUATED; POLYPOSIS, ADENOMATOUS INTESTINAL. Identifiers: MedGen C2713442, MONDO:0021056, OMIM 175100. Disease mechanism: loss of function.

Submissions (2):

Myriad Genetics, Inc.
Classification: Pathogenic for Familial adenomatous polyposis 1. Last evaluated: 2023-05-04. Review status: criteria provided, single submitter. Criteria: Myriad Autosomal Dominant, Autosomal Recessive and X-Linked Classification Criteria (2023). Collection method: clinical testing. Allele origin: unknown.
Comment: This variant is considered pathogenic. This variant creates a frameshift predicted to result in premature protein truncation.

Mayo Clinic Laboratories, Mayo Clinic
Classification: Pathogenic. Review status: no assertion criteria provided. Collection method: research. Allele origin: unknown. Observed: 1 variant allele. Not counted in ClinVar's aggregate classification.

NM_000038.6(APC):c.2325del (p.Asn775fs)

Gene: APC (APC regulator of Wnt signaling pathway; plus strand). Cytogenetic location: 5q22.2.
Variant type: Deletion.
Coding change: c.2325del on transcript NM_000038.6 (MANE Select); coding-DNA position 2325, one base deleted (T; older notation c.2325delT).
Protein change: p.Asn775fs; shifts the reading frame from asparagine 775.
Molecular consequence: frameshift variant.
Genome position (GRCh38, 1-based): chr5:112,837,919, T deleted. VCF-style (leftmost placement, unchanged base first): chr5-112837918-AT-A. GRCh37 (hg19) VCF-style: chr5-112173615-AT-A.
Other names: c.2325del, p.Asn775fs (NM_001127510.3, NM_001354895.2); c.2271del, p.Asn757fs (NM_001127511.3); c.2379del, p.Asn793fs (NM_001354896.2); c.2355del, p.Asn785fs (NM_001354897.2); c.2250del, p.Asn750fs (NM_001354898.2); c.2241del, p.Asn747fs (NM_001354899.2); c.2202del, p.Asn734fs (NM_001354900.2); c.2148del, p.Asn716fs (NM_001354901.2); and 5 more; short protein forms N716fs, N734fs, N750fs, N785fs, N615fs, N775fs, N793fs, N649fs.
Identifiers: ClinVar variation 217949 (VCV000217949.7), dbSNP rs863225328, ClinGen allele CA279776.
Genomic context (GRCh38, chr5:112,837,918, plus strand): 5'-GGAAACAAAAAGCCCTAGAAGCAGAATTAGATGCTCAGCACTTATCAGAAACTTTTGACA[AT>A]ATAGACAATTTAAGTCCCAAGGCATCTCATCGTAGTAAGCAGAGACACAAGCAAAGTCTC-3'